The following is an entry in ClinVar:

ClinVar aggregate classification (germline): Uncertain significance (1 of 4 stars; one submission).

Allele frequency attached by ClinVar (database versions not stated): gnomAD exomes below 0.00001; TOPMed 0.00001; ExAC 0.00002.
gnomAD v4.1: 4 of 1,613,782 alleles (0.00025%); highest among the groups gnomAD compares: East Asian, 0.0045%; no homozygotes.

Submission:

Labcorp Genetics (formerly Invitae), Labcorp
Classification: Uncertain significance. Last evaluated: 2022-06-19. Review status: criteria provided, single submitter. Criteria: Invitae Variant Classification Sherloc (09022015). Collection method: clinical testing. Allele origin: germline.
Comment: In summary, the available evidence is currently insufficient to determine the role of this variant in disease. Therefore, it has been classified as a Variant of Uncertain Significance. Variants that disrupt the consensus splice site are a relatively common cause of aberrant splicing (PMID: 17576681, 9536098). Algorithms developed to predict the effect of sequence changes on RNA splicing suggest that this variant is not likely to affect RNA splicing. This variant has not been reported in the literature in individuals affected with CTR9-related conditions. This variant is present in population databases (rs778820464, gnomAD 0.006%). This sequence change affects codon 15 of the CTR9 mRNA. It is a 'silent' change, meaning that it does not change the encoded amino acid sequence of the CTR9 protein. This variant also falls at the last nucleotide of exon 1, which is part of the consensus splice site for this exon.

Literature cited by the submitters: PubMed 17576681; PubMed 9536098.

NM_014633.5(CTR9):c.45G>A (p.Glu15=)

Gene: CTR9 (CTR9 homolog, Paf1/RNA polymerase II complex component; plus strand). Cytogenetic location: 11p15.4.
Variant type: single nucleotide variant.
Coding change: c.45G>A on transcript NM_014633.5 (MANE Select); coding-DNA position 45, G replaced by A.
Protein change: p.Glu15=; no amino-acid change (glutamic acid 15 retained).
Molecular consequence: synonymous variant.
Genome position (GRCh38, 1-based): chr11:10,751,457, G>A. VCF-style: chr11-10751457-G-A. GRCh37 (hg19) VCF-style: chr11-10773004-G-A.
Other names: c.45G>A, p.Glu15= (NM_001346279.2).
Identifiers: ClinVar variation 2170361 (VCV002170361.2), dbSNP rs778820464, ClinGen allele CA5884764.
Genomic context (GRCh38, chr11:10,751,457, plus strand): 5'-GCCTTTTGACCCCATCATGTCGCGGGGCTCCATCGAGATTCCCCTCCGGGACACTGACGA[G>A]GTAAGTGTCGTGTATGGAGGCGGGTGGGGGCCATGAACTTGTACGATCGCCCCCACCGAC-3'
Protein context (NP_055448.1, residues 5-25): SIEIPLRDTD[Glu15=]VIELDFDQLP